The following is an entry in ClinVar:

ClinVar aggregate classification (germline): Uncertain significance (1 of 4 stars; one submission).

Allele frequency attached by ClinVar (database versions not stated): gnomAD exomes below 0.00001; ExAC 0.00001; gnomAD 0.00001; TOPMed 0.00001.
gnomAD v4.1: 3 of 1,613,582 alleles (0.00019%); highest among the groups gnomAD compares: Admixed American, 0.005%; no homozygotes.

Submission:

Labcorp Genetics (formerly Invitae), Labcorp
Classification: Uncertain significance. Last evaluated: 2022-04-06. Review status: criteria provided, single submitter. Criteria: Invitae Variant Classification Sherloc (09022015). Collection method: clinical testing. Allele origin: germline.
Comment: In summary, the available evidence is currently insufficient to determine the role of this variant in disease. Therefore, it has been classified as a Variant of Uncertain Significance. Algorithms developed to predict the effect of missense changes on protein structure and function (SIFT, PolyPhen-2, Align-GVGD) all suggest that this variant is likely to be tolerated. This variant has not been reported in the literature in individuals affected with MCM4-related conditions. This variant is present in population databases (rs760155775, gnomAD 0.009%). This sequence change replaces alanine, which is neutral and non-polar, with threonine, which is neutral and polar, at codon 338 of the MCM4 protein (p.Ala338Thr).

NM_182746.3(MCM4):c.1012G>A (p.Ala338Thr)

Gene: MCM4 (minichromosome maintenance complex component 4; plus strand). Cytogenetic location: 8q11.21.
Variant type: single nucleotide variant.
Coding change: c.1012G>A on transcript NM_182746.3 (MANE Select); coding-DNA position 1012, G replaced by A.
Protein change: p.Ala338Thr; replaces alanine 338 with threonine.
Molecular consequence: missense variant.
Genome position (GRCh38, 1-based): chr8:47,966,366, G>A. VCF-style: chr8-47966366-G-A. GRCh37 (hg19) VCF-style: chr8-48878926-G-A.
Other names: c.1012G>A, p.Ala338Thr (NM_005914.4); short protein forms A338T.
Identifiers: ClinVar variation 1919133 (VCV001919133.4), dbSNP rs760155775, ClinGen allele CA4742488.